The following is an entry in ClinVar:

NM_014806.5(RUSC2):c.2864C>G (p.Pro955Arg)

Gene: RUSC2 (RUN and SH3 domain containing 2; plus strand). Cytogenetic location: 9p13.3.
Variant type: single nucleotide variant.
Coding change: c.2864C>G on transcript NM_014806.5 (MANE Select); coding-DNA position 2864, C replaced by G.
Protein change: p.Pro955Arg; replaces proline 955 with arginine.
Molecular consequence: missense variant. On other transcripts: non-coding transcript variant (1).
Genome position (GRCh38, 1-based): chr9:35,556,329, C>G. VCF-style: chr9-35556329-C-G. GRCh37 (hg19) VCF-style: chr9-35556326-C-G.
Other names: c.2864C>G, p.Pro955Arg (NM_001135999.2); c.230C>G, p.Pro77Arg (NM_001330740.2); short protein forms P77R, P955R.
Identifiers: ClinVar variation 1472291 (VCV001472291.5), dbSNP rs775896919, ClinGen allele CA5043994.

ClinVar aggregate classification (germline): Uncertain significance (1 of 4 stars; one submission).

Allele frequency attached by ClinVar (database versions not stated): gnomAD exomes below 0.00001; ExAC 0.00001; gnomAD 0.00005.
gnomAD v4.1: 9 of 1,614,092 alleles (0.00056%); highest among the groups gnomAD compares: African/African-American, 0.012%; no homozygotes.

Submission:

Labcorp Genetics (formerly Invitae), Labcorp
Classification: Uncertain significance. Last evaluated: 2021-09-24. Review status: criteria provided, single submitter. Criteria: Invitae Variant Classification Sherloc (09022015). Collection method: clinical testing. Allele origin: germline.
Comment: This sequence change replaces proline with arginine at codon 955 of the RUSC2 protein (p.Pro955Arg). The proline residue is weakly conserved and there is a moderate physicochemical difference between proline and arginine. This variant is present in population databases (rs775896919, ExAC 0.01%). This variant has not been reported in the literature in individuals with RUSC2-related conditions. Algorithms developed to predict the effect of missense changes on protein structure and function are either unavailable or do not agree on the potential impact of this missense change (SIFT: "Tolerated"; PolyPhen-2: "Possibly Damaging"; Align-GVGD: "Class C0"). In summary, the available evidence is currently insufficient to determine the role of this variant in disease. Therefore, it has been classified as a Variant of Uncertain Significance.